The following is an entry in ClinVar:

NM_001909.5(CTSD):c.1159G>A (p.Asp387Asn)

Gene: CTSD (cathepsin D; minus strand). Cytogenetic location: 11p15.5.
Variant type: single nucleotide variant.
Coding change: c.1159G>A on transcript NM_001909.5 (MANE Select); coding-DNA position 1159, G replaced by A.
Protein change: p.Asp387Asn; replaces aspartic acid 387 with asparagine.
Molecular consequence: missense variant.
Genome position (GRCh38, 1-based): chr11:1,753,583, C>T on the plus strand (G>A on the coding strand, the complement: CTSD is on the minus strand). VCF-style: chr11-1753583-C-T. GRCh37 (hg19) VCF-style: chr11-1774813-C-T.
Other names: short protein forms D387N.
Identifiers: ClinVar variation 498487 (VCV000498487.10), dbSNP rs764522039, ClinGen allele CA5813885.

ClinVar aggregate classification (germline): Uncertain significance. Review status: criteria provided, multiple submitters, no conflicts (2 of 4 stars). 3 submissions from 3 submitters: Uncertain significance (3). Last evaluated 2025-03-31.

Conditions:
Inborn genetic diseases. Identifiers: MedGen C0950123, MeSH D030342.
Neuronal ceroid lipofuscinosis. Also called: Neuronal Ceroid Lipofuscinoses. Identifiers: Orphanet 216, Orphanet 79263, MedGen C0027877, MONDO:0016295. Disease mechanism: loss of function.

Allele frequency attached by ClinVar (database versions not stated): gnomAD 0.00001; TOPMed 0.00001.
gnomAD v4.1: 37 of 1,612,990 alleles (0.0023%); highest among the groups gnomAD compares: African/African-American, 0.004%; no homozygotes.

Submissions (3):

Labcorp Genetics (formerly Invitae), Labcorp
Classification: Uncertain significance for Neuronal ceroid lipofuscinosis. Last evaluated: 2025-03-31. Review status: criteria provided, single submitter. Criteria: Invitae Variant Classification Sherloc (09022015). Collection method: clinical testing. Allele origin: germline.
Comment: This sequence change replaces aspartic acid, which is acidic and polar, with asparagine, which is neutral and polar, at codon 387 of the CTSD protein (p.Asp387Asn). This variant is present in population databases (rs764522039, gnomAD 0.007%). This variant has not been reported in the literature in individuals affected with CTSD-related conditions. ClinVar contains an entry for this variant (Variation ID: 498487). An algorithm developed to predict the effect of missense changes on protein structure and function (PolyPhen-2) suggests that this variant is likely to be disruptive. In summary, the available evidence is currently insufficient to determine the role of this variant in disease. Therefore, it has been classified as a Variant of Uncertain Significance.

Ambry Genetics
Classification: Uncertain significance for Inborn genetic diseases. Last evaluated: 2023-08-04. Review status: criteria provided, single submitter. Criteria: Ambry Variant Classification Scheme 2023. Collection method: clinical testing. Allele origin: germline.

Eurofins Ntd Llc (ga)
Classification: Uncertain significance. Last evaluated: 2016-12-15. Review status: criteria provided, single submitter. Criteria: EGL Classification Definitions 2015. Collection method: clinical testing. Allele origin: germline. Observed: 1 variant allele, 1 heterozygote.